The following is an entry in ClinVar:

NM_173201.3(ATP2A1):c.-507C>A

Gene: ATP2A1 (ATPase sarcoplasmic/endoplasmic reticulum Ca2+ transporting 1; plus strand). Cytogenetic location: 16p11.2.
Variant type: single nucleotide variant.
Coding change: c.-507C>A on transcript NM_173201.3; 507 bases upstream of the start codon, C replaced by A.
Genome position (GRCh38, 1-based): chr16:28,878,165, C>A. VCF-style: chr16-28878165-C-A. GRCh37 (hg19) VCF-style: chr16-28889486-C-A.
Identifiers: ClinVar variation 671198 (VCV000671198.3), dbSNP rs3888190, ClinGen allele CA14245008.
Genomic context (GRCh38, chr16:28,878,165, plus strand): 5'-TGAGGCAGGAAGGGGGGTGTGAGGAAAGGGACAGGTGAGGCCGGGGATGGAAGAGGGCTC[C>A]GGGAAGAACTGGGGGGATGAGTTTGGAATGGGAAATTCAATGCAGCTGGGGAAGTCGAGG-3'

ClinVar aggregate classification (germline): Benign (1 of 4 stars; one submission).

Allele frequency attached by ClinVar (database versions not stated): TOPMed 0.33889; 1000 Genomes Project 0.26338; 1000 Genomes Project 30x 0.26733; gnomAD 0.34830.

Submission:

GeneDx
Classification: Benign. Last evaluated: 2018-06-16. Review status: criteria provided, single submitter. Criteria: GeneDx Variant Classification (06012015). Collection method: clinical testing. Allele origin: germline. Affected: yes.
Comment: This variant is considered likely benign or benign based on one or more of the following criteria: it is a conservative change, it occurs at a poorly conserved position in the protein, it is predicted to be benign by multiple in silico algorithms, and/or has population frequency not consistent with disease.